The following is an entry in ClinVar:

ClinVar aggregate classification (germline): Uncertain significance. Review status: criteria provided, multiple submitters, no conflicts (2 of 4 stars). 2 submissions from 2 submitters: Uncertain significance (2). Last evaluated 2025-09-28.

Conditions:
Cardiovascular phenotype. Identifiers: MedGen CN230736.
Hypertrophic cardiomyopathy 14. Identifiers: MedGen C2750467, MONDO:0013197, OMIM 613251.

Allele frequency attached by ClinVar (database versions not stated): gnomAD exomes below 0.00001.
gnomAD v4.1: 2 of 1,614,172 alleles (0.00012%); highest among the groups gnomAD compares: Admixed American, 0.0033%; no homozygotes.

Submissions (2):

Ambry Genetics
Classification: Uncertain significance for Cardiovascular phenotype. Last evaluated: 2025-09-28. Review status: criteria provided, single submitter. Criteria: Ambry Variant Classification Scheme 2023. Collection method: clinical testing. Allele origin: germline.

Labcorp Genetics (formerly Invitae), Labcorp
Classification: Uncertain significance for Hypertrophic cardiomyopathy 14. Last evaluated: 2024-08-04. Review status: criteria provided, single submitter. Criteria: Invitae Variant Classification Sherloc (09022015). Collection method: clinical testing. Allele origin: germline.
Comment: This sequence change replaces threonine, which is neutral and polar, with alanine, which is neutral and non-polar, at codon 1893 of the MYH6 protein (p.Thr1893Ala). This variant is present in population databases (no rsID available, gnomAD 0.009%). This variant has not been reported in the literature in individuals affected with MYH6-related conditions. ClinVar contains an entry for this variant (Variation ID: 2452927). An algorithm developed to predict the effect of missense changes on protein structure and function (PolyPhen-2) suggests that this variant is likely to be tolerated. In summary, the available evidence is currently insufficient to determine the role of this variant in disease. Therefore, it has been classified as a Variant of Uncertain Significance.

NM_002471.4(MYH6):c.5677A>G (p.Thr1893Ala)

Gene: MYH6 (myosin heavy chain 6; minus strand). Cytogenetic location: 14q11.2.
Variant type: single nucleotide variant.
Coding change: c.5677A>G on transcript NM_002471.4 (MANE Select); coding-DNA position 5677, A replaced by G.
Protein change: p.Thr1893Ala; replaces threonine 1893 with alanine.
Molecular consequence: missense variant.
Genome position (GRCh38, 1-based): chr14:23,382,547, T>C on the plus strand (A>G on the coding strand, the complement: MYH6 is on the minus strand). VCF-style: chr14-23382547-T-C. GRCh37 (hg19) VCF-style: chr14-23851756-T-C.
Other names: short protein forms T1893A.
Identifiers: ClinVar variation 2452927 (VCV002452927.5), dbSNP rs1186462290, ClinGen allele CA388981925.